The following is an entry in ClinVar:

NM_001018115.3(FANCD2):c.2218T>C (p.Cys740Arg)

Genes: FANCD2 (FA complementation group D2; plus strand), LOC107303338 (3p25 FANCD2 Alu-mediated recombination region; plus strand). Cytogenetic location: 3p25.3.
Variant type: single nucleotide variant.
Coding change: c.2218T>C on transcript NM_001018115.3 (MANE Select); coding-DNA position 2218, T replaced by C.
Protein change: p.Cys740Arg; replaces cysteine 740 with arginine.
Molecular consequence: missense variant.
Genome position (GRCh38, 1-based): chr3:10,065,443, T>C. VCF-style: chr3-10065443-T-C. GRCh37 (hg19) VCF-style: chr3-10107127-T-C.
Other names: c.2218T>C, p.Cys740Arg (NM_001319984.2, NM_001374254.1, NM_033084.6); c.2107T>C, p.Cys703Arg (NM_001374253.1); short protein forms C740R, C703R.
Identifiers: ClinVar variation 657510 (VCV000657510.6), dbSNP rs368885711, ClinGen allele CA70014860.
Genomic context (GRCh38, chr3:10,065,443, plus strand): 5'-CTCCTTCTCAGATTGGTGTCTCCGCTGTGCCTGGCTCCGTATTTCCGGTTACTGAGACTT[T>C]GTGTGGAGAGACAGCATAACGGAAACTTGGAGGAGATTGATGGTCTACTAGGTATGGGAT-3'
Protein context (NP_001018125.1, residues 730-750): LAPYFRLLRL[Cys740Arg]VERQHNGNLE

ClinVar aggregate classification (germline): Uncertain significance (1 of 4 stars; one submission).

Conditions:
Fanconi anemia (FA). Also called: Fanconi's anemia. Identifiers: Orphanet 84, MedGen C0015625, MeSH D005199, MONDO:0019391.

Allele frequency attached by ClinVar (database versions not stated): gnomAD exomes below 0.00001; ESP Exome Variant Server 0.00008.
gnomAD v4.1: 1 of 1,614,074 alleles (0.000062%); highest among the groups gnomAD compares: Non-Finnish European, 0.000085%; no homozygotes.

Submission:

Labcorp Genetics (formerly Invitae), Labcorp
Classification: Uncertain significance for Fanconi anemia. Last evaluated: 2021-09-02. Review status: criteria provided, single submitter. Criteria: Invitae Variant Classification Sherloc (09022015). Collection method: clinical testing. Allele origin: germline.
Comment: This sequence change replaces cysteine with arginine at codon 740 of the FANCD2 protein (p.Cys740Arg). The cysteine residue is moderately conserved and there is a large physicochemical difference between cysteine and arginine. This variant is not present in population databases (ExAC no frequency). This variant has not been reported in the literature in individuals affected with FANCD2-related conditions. Algorithms developed to predict the effect of missense changes on protein structure and function are either unavailable or do not agree on the potential impact of this missense change (SIFT: "Tolerated"; PolyPhen-2: "Probably Damaging"; Align-GVGD: "Class C0"). In summary, the available evidence is currently insufficient to determine the role of this variant in disease. Therefore, it has been classified as a Variant of Uncertain Significance.